The following is an entry in ClinVar:

NM_016222.4(DDX41):c.370C>T (p.Arg124Ter)

Gene: DDX41 (DEAD-box helicase 41; minus strand). Cytogenetic location: 5q35.3.
Variant type: single nucleotide variant.
Coding change: c.370C>T on transcript NM_016222.4 (MANE Select); coding-DNA position 370, C replaced by T.
Protein change: p.Arg124Ter; replaces arginine 124 with a stop codon.
Molecular consequence: nonsense. On other transcripts: 5 prime UTR variant (2).
Genome position (GRCh38, 1-based): chr5:177,516,122, G>A on the plus strand (C>T on the coding strand, the complement: DDX41 is on the minus strand). VCF-style: chr5-177516122-G-A. GRCh37 (hg19) VCF-style: chr5-176943123-G-A.
Other names: c.-9C>T (NM_001321732.2, NM_001321830.2); c.370C>T (NM_016222.2); short protein forms R124*.
Identifiers: ClinVar variation 978205 (VCV000978205.3), dbSNP rs1297703150, ClinGen allele CA362376658.

ClinVar aggregate classification (germline): Pathogenic. Review status: criteria provided, single submitter (1 of 4 stars). 2 submissions from 2 submitters: Pathogenic (1). 1 of the submissions does not count toward it. Last evaluated 2025-08-19.

Conditions:
Inborn genetic diseases. Identifiers: MedGen C0950123, MeSH D030342.
Myelodysplasia. Identifiers: MedGen C0026985, HP:0002863.

gnomAD v4.1: 3 of 1,613,970 alleles (0.00019%); highest among the groups gnomAD compares: Non-Finnish European, 0.00025%; no homozygotes.

Submissions (2):

Ambry Genetics
Classification: Pathogenic for Inborn genetic diseases. Last evaluated: 2025-08-19. Review status: criteria provided, single submitter. Criteria: Ambry Variant Classification Scheme 2023. Collection method: clinical testing. Allele origin: germline.
Comment: The p.R124* pathogenic mutation (also known as c.370C>T), located in coding exon 4 of the DDX41 gene, results from a C to T substitution at nucleotide position 370. This changes the amino acid from an arginine to a stop codon within coding exon 4. This variant is considered to be rare based on population cohorts in the Genome Aggregation Database (gnomAD). This alteration is expected to result in loss of function by premature protein truncation or nonsense-mediated mRNA decay. As such, this alteration is interpreted as a disease-causing mutation.

Bone Marrow Failure laboratory, Queen Mary University London
Classification: Pathogenic for Myelodysplasia. Last evaluated: 2020-08-28. Review status: no assertion criteria provided. Collection method: research. Allele origin: germline. Affected: yes. Not counted in ClinVar's aggregate classification.
Comment: The following ACMG/AMP criteria were used: PVS1, PM2, PP3.

Literature cited by the submitters: PubMed 32098966 (cited by Bone Marrow Failure laboratory, Queen Mary University London).